The following is an entry in ClinVar:

NM_000492.4(CFTR):c.3468+3566G>A

Genes: CFTR (CF transmembrane conductance regulator; plus strand), CFTR-AS2 (CFTR antisense RNA 2; minus strand). Cytogenetic location: 7q31.2.
Variant type: single nucleotide variant.
Coding change: c.3468+3566G>A on transcript NM_000492.4 (MANE Select); 3566 bases into the intron after coding-DNA position 3468, G replaced by A.
Molecular consequence: intron variant.
Genome position (GRCh38, 1-based): chr7:117,618,279, G>A. VCF-style: chr7-117618279-G-A. GRCh37 (hg19) VCF-style: chr7-117258333-G-A.
Identifiers: ClinVar variation 1704403 (VCV001704403.1), dbSNP rs865990127, ClinGen allele CA164971467.

ClinVar aggregate classification (germline): Uncertain significance (1 of 4 stars; one submission).

Conditions:
Cystic fibrosis (CF). Also called: MUCOVISCIDOSIS. Identifiers: Orphanet 586, MedGen C0010674, MONDO:0009061, OMIM 219700. Disease mechanism: loss of function.

Allele frequency attached by ClinVar (database versions not stated): TOPMed 0.00004; gnomAD 0.00001.
gnomAD v4.1: 2 of 151,928 alleles (0.0013%); highest among the groups gnomAD compares: African/African-American, 0.0024%; no homozygotes.

Submission:

Johns Hopkins Genomics, Johns Hopkins University
Classification: Uncertain significance for Cystic fibrosis. Last evaluated: 2022-07-23. Review status: criteria provided, single submitter. Criteria: ACMG Guidelines, 2015. Collection method: clinical testing. Allele origin: germline.
Comment: This CFTR variant (rs865990127) is rare (<0.1%) in a large population dataset (gnomAD: 2/151928 total alleles; 0. 001316%; no homozygotes) and has not been reported in ClinVar nor the literature, to our knowledge. Three bioinformatic tools predict that this deep intronic variant may introduce a cryptic donor site although this has not been confirmed experimentally to our knowledge. Due to insufficient evidence that this variant is deleterious, we consider the clinical significance of CFTR to be uncertain at this time.